The following is an entry in ClinVar:

ClinVar aggregate classification (germline): Uncertain significance (1 of 4 stars; one submission).

Conditions:
Charcot-Marie-Tooth disease, demyelinating, type 1J. Also called: CHARCOT-MARIE-TOOTH NEUROPATHY, DEMYELINATING, TYPE 1J. Identifiers: MedGen C5774249, MONDO:0859311, OMIM 620111.

gnomAD v4.1: 1 of 1,611,626 alleles (0.000062%); highest among the groups gnomAD compares: African/African-American, 0.0013%; no homozygotes.

Submission:

3billion
Classification: Uncertain significance for Charcot-Marie-Tooth disease, demyelinating, type 1J. Last evaluated: 2024-03-14. Review status: criteria provided, single submitter. Criteria: ACMG Guidelines, 2015. Collection method: clinical testing. Allele origin: germline. Affected: yes.
Comment: The variant is not observed in the gnomAD v2.1.1 dataset. Predicted Consequence/Location: Missense changes are a common disease-causing mechanism. In silico tool predictions suggest damaging effect of the variant on gene or gene product [REVEL: 0.92 (>=0.6, sensitivity 0.68 and specificity 0.92); 3Cnet: 0.08 (>=0.6, sensitivity 0.72 and precision 0.9)]. Therefore, this variant is classified as VUS according to the recommendation of ACMG/AMP guideline.

NM_002224.4(ITPR3):c.2756G>T (p.Gly919Val)

Gene: ITPR3 (inositol 1,4,5-trisphosphate receptor type 3; plus strand). Cytogenetic location: 6p21.31.
Variant type: single nucleotide variant.
Coding change: c.2756G>T on transcript NM_002224.4 (MANE Select); coding-DNA position 2756, G replaced by T.
Protein change: p.Gly919Val; replaces glycine 919 with valine.
Molecular consequence: missense variant.
Genome position (GRCh38, 1-based): chr6:33,672,056, G>T. VCF-style: chr6-33672056-G-T. GRCh37 (hg19) VCF-style: chr6-33639833-G-T.
Other names: short protein forms G919V.
Identifiers: ClinVar variation 3776040 (VCV003776040.1).